The following is an entry in ClinVar:

NM_152564.5(VPS13B):c.2959G>C (p.Val987Leu)

Gene: VPS13B (vacuolar protein sorting 13 homolog B; plus strand). Cytogenetic location: 8q22.2.
Variant type: single nucleotide variant.
Coding change: c.2959G>C on transcript NM_152564.5 (MANE Select); coding-DNA position 2959, G replaced by C.
Protein change: p.Val987Leu; replaces valine 987 with leucine.
Molecular consequence: missense variant.
Genome position (GRCh38, 1-based): chr8:99,391,581, G>C. VCF-style: chr8-99391581-G-C. GRCh37 (hg19) VCF-style: chr8-100403809-G-C.
Other names: c.2959G>C, p.Val987Leu (NM_017890.5); short protein forms V987L.
Identifiers: ClinVar variation 3671942 (VCV003671942.2).

ClinVar aggregate classification (germline): Uncertain significance (1 of 4 stars; one submission).

Conditions:
Cohen syndrome (COH1). Also called: PEPPER SYNDROME; Cutis verticis gyrata, retinitis pigmentosa, and sensorineural deafness. Identifiers: Orphanet 193, MedGen C0265223, MONDO:0008999, OMIM 216550.

Submission:

Labcorp Genetics (formerly Invitae), Labcorp
Classification: Uncertain significance for Cohen syndrome. Last evaluated: 2024-10-21. Review status: criteria provided, single submitter. Criteria: Invitae Variant Classification Sherloc (09022015). Collection method: clinical testing. Allele origin: germline.
Comment: This sequence change replaces valine, which is neutral and non-polar, with leucine, which is neutral and non-polar, at codon 987 of the VPS13B protein (p.Val987Leu). This variant is not present in population databases (gnomAD no frequency). This variant has not been reported in the literature in individuals affected with VPS13B-related conditions. Invitae Evidence Modeling of protein sequence and biophysical properties (such as structural, functional, and spatial information, amino acid conservation, physicochemical variation, residue mobility, and thermodynamic stability) indicates that this missense variant is not expected to disrupt VPS13B protein function with a negative predictive value of 80%. In summary, the available evidence is currently insufficient to determine the role of this variant in disease. Therefore, it has been classified as a Variant of Uncertain Significance.